The following is an entry in ClinVar:

NM_001723.7(DST):c.5912A>G (p.Asp1971Gly)

Gene: DST (dystonin; minus strand). Cytogenetic location: 6p12.1.
Variant type: single nucleotide variant.
Coding change: c.5912A>G on transcript NM_001723.7 (MANE Plus Clinical); coding-DNA position 5912, A replaced by G.
Protein change: p.Asp1971Gly; replaces aspartic acid 1971 with glycine.
Molecular consequence: missense variant. On other transcripts: intron variant (10).
Genome position (GRCh38, 1-based): chr6:56,618,122, T>C on the plus strand (A>G on the coding strand, the complement: DST is on the minus strand). VCF-style: chr6-56618122-T-C. GRCh37 (hg19) VCF-style: chr6-56482920-T-C.
Other names: c.4831-3638A>G (NM_001144769.5); c.4930-3638A>G (NM_001374722.1, NM_001374736.1); c.4957-3638A>G (NM_001374734.1); c.4417-3638A>G (NM_001144770.2); c.4297-3638A>G (NM_001374730.1, NM_001386100.1, NM_183380.4 and 1 more transcripts); c.3319-3638A>G (NM_015548.5); short protein forms D1971G.
Identifiers: ClinVar variation 658854 (VCV000658854.10), dbSNP rs376976728, ClinGen allele CA3870281.

ClinVar aggregate classification (germline): Uncertain significance. Review status: criteria provided, multiple submitters, no conflicts (2 of 4 stars). 3 submissions from 3 submitters: Uncertain significance (3). Last evaluated 2025-12-12.

Conditions:
Hereditary sensory and autonomic neuropathy type 6. Also called: Neuropathy, hereditary sensory and autonomic, type VI; HSAN VI. Identifiers: Orphanet 314381, MedGen C3539003, MONDO:0013839, OMIM 614653.
Epidermolysis bullosa simplex 3, localized or generalized intermediate, with BP230 deficiency (EBS3). Also called: Epidermolysis bullosa simplex, autosomal recessive 2; Epidermolysis bullosa simplex due to BP230 deficiency. Identifiers: Orphanet 412181, MedGen C3809470, MONDO:0014180, OMIM 615425.
DST-related disorder. Also called: DST-related disorders; DST-related condition.

Allele frequency attached by ClinVar (database versions not stated): gnomAD exomes 0.00008; ExAC 0.00009; gnomAD 0.00015; TOPMed 0.00023; ESP Exome Variant Server 0.00038; 1000 Genomes Project 0.00040; 1000 Genomes Project 30x 0.00047.
gnomAD v4.1: 57 of 1,614,180 alleles (0.0035%); highest among the groups gnomAD compares: African/African-American, 0.073%; no homozygotes.

Submissions (3):

PreventionGenetics, part of Exact Sciences
Classification: Uncertain significance for DST-related condition. Last evaluated: 2025-12-12. Review status: criteria provided, single submitter. Criteria: ACMG Guidelines, 2015. Collection method: clinical testing. Allele origin: germline.
Comment: The DST c.5912A>G variant is predicted to result in the amino acid substitution p.Asp1971Gly. To our knowledge, this variant has not been reported in the literature. This variant is reported in 0.080% of alleles in individuals of African descent in gnomAD. Although we suspect that this variant may be benign, at this time, the clinical significance of this variant is uncertain due to the absence of conclusive functional and genetic evidence.

GeneDx
Classification: Uncertain significance. Last evaluated: 2025-05-20. Review status: criteria provided, single submitter. Criteria: GeneDx Variant Classification Process June 2021. Collection method: clinical testing. Allele origin: germline. Affected: yes.
Comment: In silico analysis suggests that this missense variant does not alter protein structure/function; Has not been previously published as pathogenic or benign to our knowledge; Reported using the transcript encoding the epithelial isoform of the gene

Labcorp Genetics (formerly Invitae), Labcorp
Classification: Uncertain significance for Epidermolysis bullosa simplex 3, localized or generalized intermediate, with BP230 deficiency; Hereditary sensory and autonomic neuropathy type 6. Last evaluated: 2022-07-05. Review status: criteria provided, single submitter. Criteria: Invitae Variant Classification Sherloc (09022015). Collection method: clinical testing. Allele origin: germline.
Comment: This sequence change replaces aspartic acid, which is acidic and polar, with glycine, which is neutral and non-polar, at codon 1971 of the DST protein (p.Asp1971Gly). This variant is present in population databases (rs376976728, gnomAD 0.07%). This variant has not been reported in the literature in individuals affected with DST-related conditions. ClinVar contains an entry for this variant (Variation ID: 658854). Algorithms developed to predict the effect of missense changes on protein structure and function are either unavailable or do not agree on the potential impact of this missense change (SIFT: "Deleterious"; PolyPhen-2: "Benign"; Align-GVGD: "Class C65"). Algorithms developed to predict the effect of sequence changes on RNA splicing suggest that this variant may create or strengthen a splice site. In summary, the available evidence is currently insufficient to determine the role of this variant in disease. Therefore, it has been classified as a Variant of Uncertain Significance.